The following is an entry in ClinVar:

ClinVar aggregate classification (germline): Likely benign (1 of 4 stars; one submission).

Conditions:
IHH-related disorder. Also called: IHH-related condition.

gnomAD v4.1: 3 of 1,609,792 alleles (0.00019%); highest among the groups gnomAD compares: African/African-American, 0.004%; no homozygotes.

Submission:

PreventionGenetics, part of Exact Sciences
Classification: Likely benign for IHH-related condition. Last evaluated: 2026-08-18. Review status: criteria provided, single submitter. Criteria: ACMG Guidelines, 2015. Collection method: clinical testing. Allele origin: germline.
Comment: This variant is classified as likely benign based on ACMG/AMP sequence variant interpretation guidelines (Richards et al. 2015 PMID: 25741868, with internal and published modifications).

NM_002181.4(IHH):c.600G>T (p.Thr200=)

Gene: IHH (Indian hedgehog signaling molecule; minus strand). Cytogenetic location: 2q35.
Variant type: single nucleotide variant.
Coding change: c.600G>T on transcript NM_002181.4 (MANE Select); coding-DNA position 600, G replaced by T.
Protein change: p.Thr200=; no amino-acid change (threonine 200 retained).
Molecular consequence: synonymous variant.
Genome position (GRCh38, 1-based): chr2:219,055,843, C>A on the plus strand (G>T on the coding strand, the complement: IHH is on the minus strand). VCF-style: chr2-219055843-C-A. GRCh37 (hg19) VCF-style: chr2-219920565-C-A.
Identifiers: ClinVar variation 4989213 (VCV004989213.1).
Genomic context (GRCh38, chr2:219,055,843, plus strand): 5'-CAAGGCCACACGCGCCCCACTCTCCAGGCGTACCTGGGCTCCGGCAGGGAAGCAGCCGCC[C>A]GTCTTGGCTGCGGCCGAGTGCTCTGTGGGAGAAAGGGACATGAAGGTGTTACTGCTGTGC-3'
Protein context (NP_002172.2, residues 190-210): VKSEHSAAAK[Thr200=]GGCFPAGAQV